The following is an entry in ClinVar:

NM_015909.4(NBAS):c.6951G>C (p.Leu2317Phe)

Gene: NBAS (NBAS subunit of NRZ tethering complex; minus strand). Cytogenetic location: 2p24.3.
Variant type: single nucleotide variant.
Coding change: c.6951G>C on transcript NM_015909.4 (MANE Select); coding-DNA position 6951, G replaced by C.
Protein change: p.Leu2317Phe; replaces leucine 2317 with phenylalanine.
Molecular consequence: missense variant. On other transcripts: non-coding transcript variant (1).
Genome position (GRCh38, 1-based): chr2:15,167,213, C>G on the plus strand (G>C on the coding strand, the complement: NBAS is on the minus strand). VCF-style: chr2-15167213-C-G. GRCh37 (hg19) VCF-style: chr2-15307337-C-G.
Other names: short protein forms L2317F.
Identifiers: ClinVar variation 3720242 (VCV003720242.2).
Genomic context (GRCh38, chr2:15,167,213, plus strand): 5'-GGCCTCCCGCAGGTGTCTGCCCAGCTCCTCTGCATCCCAGCGCCCTTGCTGGAGGCTAGC[C>G]AAGAGGTGGTCAACAATACGTGGATAGAAGGGAGTGGAGACACACTTCACCAGCAGCTTG-3'
Protein context (NP_056993.2, residues 2307-2327): PFYPRIVDHL[Leu2317Phe]ASLQQGRWDA

ClinVar aggregate classification (germline): Uncertain significance (1 of 4 stars; one submission).

Submission:

Labcorp Genetics (formerly Invitae), Labcorp
Classification: Uncertain significance. Last evaluated: 2024-11-05. Review status: criteria provided, single submitter. Criteria: Invitae Variant Classification Sherloc (09022015). Collection method: clinical testing. Allele origin: germline.
Comment: This sequence change replaces leucine, which is neutral and non-polar, with phenylalanine, which is neutral and non-polar, at codon 2317 of the NBAS protein (p.Leu2317Phe). This variant is not present in population databases (gnomAD no frequency). This variant has not been reported in the literature in individuals affected with NBAS-related conditions. Invitae Evidence Modeling of protein sequence and biophysical properties (such as structural, functional, and spatial information, amino acid conservation, physicochemical variation, residue mobility, and thermodynamic stability) has been performed for this missense variant. However, the output from this modeling did not meet the statistical confidence thresholds required to predict the impact of this variant on NBAS protein function. In summary, the available evidence is currently insufficient to determine the role of this variant in disease. Therefore, it has been classified as a Variant of Uncertain Significance.